The following is an entry in ClinVar:

ClinVar aggregate classification (germline): Conflicting classifications of pathogenicity. Review status: criteria provided, conflicting classifications (1 of 4 stars). 4 submissions from 4 submitters: Uncertain significance (3); Likely benign (1). Last evaluated 2026-02-03.

Conditions:
Hereditary breast ovarian cancer syndrome. Also called: Hereditary breast and ovarian cancer syndrome (HBOC); Hereditary breast and ovarian cancer; Breast and ovarian cancer; Hereditary breast and/or ovarian cancer syndrome; BRCA1- and BRCA2-Associated Hereditary Breast and Ovarian Cancer; Hereditary breast and ovarian cancer syndrome. Identifiers: Orphanet 145, MedGen C0677776, MeSH D061325, MONDO:0003582. Disease mechanism: loss of function.
Hereditary cancer-predisposing syndrome. Also called: Neoplastic Syndromes, Hereditary; Tumor predisposition; Hereditary Cancer Syndrome; Hereditary neoplastic syndrome. Identifiers: Orphanet 140162, MedGen C0027672, MeSH D009386, MONDO:0015356.

gnomAD v4.1: 1 of 1,601,936 alleles (0.000062%); highest among the groups gnomAD compares: Non-Finnish European, 0.000085%; no homozygotes.

Submissions (4):

Ambry Genetics
Classification: Uncertain significance for Hereditary cancer-predisposing syndrome. Last evaluated: 2026-02-03. Review status: criteria provided, single submitter. Criteria: Ambry Variant Classification Scheme 2023. Collection method: clinical testing. Allele origin: germline.
Comment: The p.H1350D variant (also known as c.4048C>G), located in coding exon 10 of the BRCA2 gene, results from a C to G substitution at nucleotide position 4048. The histidine at codon 1350 is replaced by aspartic acid, an amino acid with similar properties. This amino acid position is not well conserved in available vertebrate species. In addition, this alteration is predicted to be tolerated by in silico analysis. Based on the available evidence, the clinical significance of this variant remains unclear.

GeneDx
Classification: Uncertain significance. Last evaluated: 2025-03-05. Review status: criteria provided, single submitter. Criteria: GeneDx Variant Classification Process June 2021. Collection method: clinical testing. Allele origin: germline. Affected: yes.
Comment: Not observed at significant frequency in large population cohorts (gnomAD); In silico analysis supports that this missense variant has a deleterious effect on protein structure/function; Has not been previously published as pathogenic or benign to our knowledge; Also known as 4276C>G

Labcorp Genetics (formerly Invitae), Labcorp
Classification: Uncertain significance for Hereditary breast ovarian cancer syndrome. Last evaluated: 2025-01-21. Review status: criteria provided, single submitter. Criteria: Invitae Variant Classification Sherloc (09022015). Collection method: clinical testing. Allele origin: germline.
Comment: This sequence change replaces histidine, which is basic and polar, with aspartic acid, which is acidic and polar, at codon 1350 of the BRCA2 protein (p.His1350Asp). This variant is not present in population databases (gnomAD no frequency). This variant has not been reported in the literature in individuals affected with BRCA2-related conditions. ClinVar contains an entry for this variant (Variation ID: 1486812). Invitae Evidence Modeling of protein sequence and biophysical properties (such as structural, functional, and spatial information, amino acid conservation, physicochemical variation, residue mobility, and thermodynamic stability) indicates that this missense variant is not expected to disrupt BRCA2 protein function with a negative predictive value of 95%. In summary, the available evidence is currently insufficient to determine the role of this variant in disease. Therefore, it has been classified as a Variant of Uncertain Significance.

University of Washington Department of Laboratory Medicine, University of Washington
Classification: Likely benign for Hereditary cancer-predisposing syndrome. Last evaluated: 2023-03-23. Review status: criteria provided, single submitter. Criteria: Dines et al. (Genet Med. 2020). Collection method: curation. Allele origin: germline.
Comment: Missense variant in a coldspot region where missense variants are very unlikely to be pathogenic (PMID:31911673).

BRCA2 exon 11 coldspot. Reclassification based on statistical prior probability.

NM_000059.4(BRCA2):c.4048C>G (p.His1350Asp)

Gene: BRCA2 (BRCA2 DNA repair associated; plus strand). Cytogenetic location: 13q13.1.
Variant type: single nucleotide variant.
Coding change: c.4048C>G on transcript NM_000059.4 (MANE Select); coding-DNA position 4048, C replaced by G.
Protein change: p.His1350Asp; replaces histidine 1350 with aspartic acid.
Molecular consequence: missense variant.
Genome position (GRCh38, 1-based): chr13:32,338,403, C>G. VCF-style: chr13-32338403-C-G. GRCh37 (hg19) VCF-style: chr13-32912540-C-G.
Other names: c.4048C>G (NM_000059.3); short protein forms H1350D.
Identifiers: ClinVar variation 1486812 (VCV001486812.9), dbSNP rs2137502442, ClinGen allele CA387779101.
Genomic context (GRCh38, chr13:32,338,403, plus strand): 5'-AATTCTCATAACTTAGAATTTGATGGCAGTGATTCAAGTAAAAATGATACTGTTTGTATT[C>G]ATAAAGATGAAACGGACTTGCTATTTACTGATCAGCACAACATATGTCTTAAATTATCTG-3'
Protein context (NP_000050.3, residues 1340-1360): DSSKNDTVCI[His1350Asp]KDETDLLFTD